The following is an entry in ClinVar:

NM_003680.4(YARS1):c.1349G>C (p.Arg450Pro)

Gene: YARS1 (tyrosyl-tRNA synthetase 1; minus strand). Cytogenetic location: 1p35.1.
Variant type: single nucleotide variant.
Coding change: c.1349G>C on transcript NM_003680.4 (MANE Select); coding-DNA position 1349, G replaced by C.
Protein change: p.Arg450Pro; replaces arginine 450 with proline.
Molecular consequence: missense variant.
Genome position (GRCh38, 1-based): chr1:32,779,509, C>G on the plus strand (G>C on the coding strand, the complement: YARS1 is on the minus strand). VCF-style: chr1-32779509-C-G. GRCh37 (hg19) VCF-style: chr1-33245110-C-G.
Other names: short protein forms R450P.
Identifiers: ClinVar variation 648368 (VCV000648368.9), dbSNP rs147005844, ClinGen allele CA744909.

ClinVar aggregate classification (germline): Uncertain significance. Review status: criteria provided, multiple submitters, no conflicts (2 of 4 stars). 2 submissions from 2 submitters: Uncertain significance (2). Last evaluated 2022-05-21.

Conditions:
Charcot-Marie-Tooth disease dominant intermediate C (CMTDIC). Also called: CHARCOT-MARIE-TOOTH NEUROPATHY, DOMINANT INTERMEDIATE C. Identifiers: Orphanet 100045, MedGen C1842237, MONDO:0012012, OMIM 608323.
Inborn genetic diseases. Identifiers: MedGen C0950123, MeSH D030342.

gnomAD v4.1: 1 of 1,614,148 alleles (0.000062%); highest among the groups gnomAD compares: Admixed American, 0.0017%; no homozygotes.

Submissions (2):

Ambry Genetics
Classification: Uncertain significance for Inborn genetic diseases. Last evaluated: 2022-05-21. Review status: criteria provided, single submitter. Criteria: Ambry Variant Classification Scheme 2023. Collection method: clinical testing. Allele origin: germline.
Comment: The p.R450P variant (also known as c.1349G>C), located in coding exon 12 of the YARS gene, results from a G to C substitution at nucleotide position 1349. The arginine at codon 450 is replaced by proline, an amino acid with dissimilar properties. This amino acid position is conserved. In addition, this alteration is predicted to be tolerated by in silico analysis. Since supporting evidence is limited at this time, the clinical significance of this alteration remains unclear.

Labcorp Genetics (formerly Invitae), Labcorp
Classification: Uncertain significance for Charcot-Marie-Tooth disease dominant intermediate C. Last evaluated: 2019-05-03. Review status: criteria provided, single submitter. Criteria: Invitae Variant Classification Sherloc (09022015). Collection method: clinical testing. Allele origin: germline.
Comment: In summary, the available evidence is currently insufficient to determine the role of this variant in disease. Therefore, it has been classified as a Variant of Uncertain Significance. Algorithms developed to predict the effect of missense changes on protein structure and function are either unavailable or do not agree on the potential impact of this missense change (SIFT: "Tolerated"; PolyPhen-2: "Possibly Damaging"; Align-GVGD: "Class C0"). This variant has not been reported in the literature in individuals with YARS-related disease. This variant is present in population databases (rs147005844, ExAC 0.009%). This sequence change replaces arginine with proline at codon 450 of the YARS protein (p.Arg450Pro). The arginine residue is moderately conserved and there is a moderate physicochemical difference between arginine and proline.